The following is an entry in ClinVar:

NM_000179.3(MSH6):c.2251A>C (p.Asn751His)

Gene: MSH6 (mutS homolog 6; plus strand). Cytogenetic location: 2p16.3.
Variant type: single nucleotide variant.
Coding change: c.2251A>C on transcript NM_000179.3 (MANE Select); coding-DNA position 2251, A replaced by C.
Protein change: p.Asn751His; replaces asparagine 751 with histidine.
Molecular consequence: missense variant. On other transcripts: non-coding transcript variant (5), intron variant (2).
Genome position (GRCh38, 1-based): chr2:47,800,234, A>C. VCF-style: chr2-47800234-A-C. GRCh37 (hg19) VCF-style: chr2-48027373-A-C.
Other names: c.1861A>C, p.Asn621His (NM_001281492.2); c.1345A>C, p.Asn449His (NM_001281493.2, NM_001281494.2, NM_001406811.1 and 6 more transcripts); c.2347A>C, p.Asn783His (NM_001406795.1, NM_001406802.1); c.2251A>C, p.Asn751His (NM_001406796.1, NM_001406798.1, NM_001406808.1 and 3 more transcripts); c.1954A>C, p.Asn652His (NM_001406797.1, NM_001406818.1, NM_001406819.1 and 10 more transcripts); c.2257A>C, p.Asn753His (NM_001406813.1); c.1726A>C, p.Asn576His (NM_001406799.1, NM_001406806.1, NM_001406807.1); c.2173A>C, p.Asn725His (NM_001406804.1); and 3 more; short protein forms N751H, N695H, N621H, N725H, N753H, N449H, N576H, N652H.
Identifiers: ClinVar variation 2803672 (VCV002803672.3), dbSNP rs2104396392, ClinGen allele CA346752660.

ClinVar aggregate classification (germline): Uncertain significance (1 of 4 stars; one submission).

Conditions:
Hereditary nonpolyposis colorectal neoplasms. Identifiers: MedGen C0009405, MeSH D003123.

Submission:

Labcorp Genetics (formerly Invitae), Labcorp
Classification: Uncertain significance for Hereditary nonpolyposis colorectal neoplasms. Last evaluated: 2022-11-29. Review status: criteria provided, single submitter. Criteria: Invitae Variant Classification Sherloc (09022015). Collection method: clinical testing. Allele origin: germline.
Comment: In summary, the available evidence is currently insufficient to determine the role of this variant in disease. Therefore, it has been classified as a Variant of Uncertain Significance. Advanced modeling of protein sequence and biophysical properties (such as structural, functional, and spatial information, amino acid conservation, physicochemical variation, residue mobility, and thermodynamic stability) performed at Invitae indicates that this missense variant is not expected to disrupt MSH6 protein function. This variant has not been reported in the literature in individuals affected with MSH6-related conditions. This variant is not present in population databases (gnomAD no frequency). This sequence change replaces asparagine, which is neutral and polar, with histidine, which is basic and polar, at codon 751 of the MSH6 protein (p.Asn751His).